The following is an entry in ClinVar:

ClinVar aggregate classification (germline): Uncertain significance (1 of 4 stars; one submission).

Conditions:
Hypertrophic cardiomyopathy. Also called: HYPERTROPHIC MYOCARDIOPATHY. Identifiers: Orphanet 217569, MedGen C0007194, MeSH D002312, MONDO:0005045, HP:0001639.

Submission:

Labcorp Genetics (formerly Invitae), Labcorp
Classification: Uncertain significance for Hypertrophic cardiomyopathy. Last evaluated: 2022-10-17. Review status: criteria provided, single submitter. Criteria: Invitae Variant Classification Sherloc (09022015). Collection method: clinical testing. Allele origin: germline.
Comment: In summary, the available evidence is currently insufficient to determine the role of this variant in disease. Therefore, it has been classified as a Variant of Uncertain Significance. Experimental studies and prediction algorithms are not available or were not evaluated, and the functional significance of this variant is currently unknown. ClinVar contains an entry for this variant (Variation ID: 1515840). This variant has not been reported in the literature in individuals affected with MYH7-related conditions. This variant is not present in population databases (gnomAD no frequency). This variant, c.3663_3664insGGGAAG, results in the insertion of 2 amino acid(s) of the MYH7 protein (p.Lys1221_Ser1222insGlyLys), but otherwise preserves the integrity of the reading frame.

NM_000257.4(MYH7):c.3663_3664insGGGAAG (p.Lys1221_Ser1222insGlyLys)

Gene: MYH7 (myosin heavy chain 7; minus strand). Cytogenetic location: 14q11.2.
Variant type: Insertion.
Coding change: c.3663_3664insGGGAAG on transcript NM_000257.4 (MANE Select); coding-DNA positions 3663 to 3664, GGGAAG inserted.
Protein change: p.Lys1221_Ser1222insGlyLys.
Molecular consequence: inframe insertion.
Genome position: GRCh38 VCF-style: chr14-23419907-T-TCTTCCC. GRCh37 (hg19) VCF-style: chr14-23889116-T-TCTTCCC.
Identifiers: ClinVar variation 1515840 (VCV001515840.7), dbSNP rs730880889, ClinGen allele CA013931.